The following is an entry in ClinVar:

NM_001613.4(ACTA2):c.533T>C (p.Met178Thr)

Gene: ACTA2 (actin alpha 2, smooth muscle; minus strand). Cytogenetic location: 10q23.31.
Variant type: single nucleotide variant.
Coding change: c.533T>C on transcript NM_001613.4 (MANE Select); coding-DNA position 533, T replaced by C.
Protein change: p.Met178Thr; replaces methionine 178 with threonine.
Molecular consequence: missense variant.
Genome position (GRCh38, 1-based): chr10:88,941,312, A>G on the plus strand (T>C on the coding strand, the complement: ACTA2 is on the minus strand). VCF-style: chr10-88941312-A-G. GRCh37 (hg19) VCF-style: chr10-90701069-A-G.
Other names: c.533T>C, p.Met178Thr (NM_001141945.3, NM_001320855.2, NM_001406462.1 and 3 more transcripts); c.422T>C, p.Met141Thr (NM_001406466.1); c.404T>C, p.Met135Thr (NM_001406467.1, NM_001406468.1, NM_001406469.1); short protein forms M135T, M141T, M178T.
Identifiers: ClinVar variation 1746933 (VCV001746933.2), dbSNP rs2494538185, ClinGen allele CA377512179.

ClinVar aggregate classification (germline): Uncertain significance (1 of 4 stars; one submission).

Conditions:
Familial thoracic aortic aneurysm and aortic dissection (TAAD). Also called: Thoracic aortic aneurysms and dissections. Identifiers: Orphanet 91387, MedGen C4707243, MONDO:0019625.

Submission:

Ambry Genetics
Classification: Uncertain significance for Familial thoracic aortic aneurysm and aortic dissection. Last evaluated: 2019-01-23. Review status: criteria provided, single submitter. Criteria: Ambry Variant Classification Scheme 2023. Collection method: clinical testing. Allele origin: germline.
Comment: The p.M178T variant (also known as c.533T>C), located in coding exon 5 of the ACTA2 gene, results from a T to C substitution at nucleotide position 533. The methionine at codon 178 is replaced by threonine, an amino acid with similar properties. This amino acid position is highly conserved in available vertebrate species. In addition, this alteration is predicted to be deleterious by in silico analysis. Since supporting evidence is limited at this time, the clinical significance of this alteration remains unclear.